The following is an entry in ClinVar:

ClinVar aggregate classification (germline): Uncertain significance. Review status: criteria provided, multiple submitters, no conflicts (2 of 4 stars). 2 submissions from 2 submitters: Uncertain significance (2). Last evaluated 2026-08-31.

Conditions:
Niemann-Pick disease, type C1. Also called: NIEMANN-PICK DISEASE, VARIANT TYPE C1; NEUROVISCERAL STORAGE DISEASE WITH VERTICAL SUPRANUCLEAR OPHTHALMOPLEGIA; NIEMANN-PICK DISEASE WITH CHOLESTEROL ESTERIFICATION BLOCK; NIEMANN-PICK DISEASE WITHOUT SPHINGOMYELINASE DEFICIENCY; NIEMANN-PICK DISEASE, CHRONIC NEURONOPATHIC FORM. Identifiers: Orphanet 646, MedGen C3179455, MONDO:0009757, OMIM 257220.
NPC1-related disorder. Also called: NPC1-related condition.

Allele frequency attached by ClinVar (database versions not stated): gnomAD exomes below 0.00001; ExAC 0.00001; gnomAD 0.00001; TOPMed 0.00001.
gnomAD v4.1: 8 of 1,614,116 alleles (0.0005%); highest among the groups gnomAD compares: Non-Finnish European, 0.00068%; no homozygotes.

Submissions (2):

PreventionGenetics, part of Exact Sciences
Classification: Uncertain significance for NPC1-related condition. Last evaluated: 2026-08-31. Review status: criteria provided, single submitter. Criteria: ACMG Guidelines, 2015. Collection method: clinical testing. Allele origin: germline.
Comment: The NPC1 c.1984T>A variant is predicted to result in the amino acid substitution p.Leu662Met. To our knowledge, this variant has not been reported in the literature. This variant is reported in 0.00088% of alleles in individuals of European (Non-Finnish) descent in gnomAD. At this time, the clinical significance of this variant is uncertain due to the absence of conclusive functional and genetic evidence.

Labcorp Genetics (formerly Invitae), Labcorp
Classification: Uncertain significance for Niemann-Pick disease, type C1. Last evaluated: 2023-12-07. Review status: criteria provided, single submitter. Criteria: Invitae Variant Classification Sherloc (09022015). Collection method: clinical testing. Allele origin: germline.
Comment: This sequence change replaces leucine, which is neutral and non-polar, with methionine, which is neutral and non-polar, at codon 662 of the NPC1 protein (p.Leu662Met). This variant is present in population databases (rs768534332, gnomAD 0.0009%). This variant has not been reported in the literature in individuals affected with NPC1-related conditions. ClinVar contains an entry for this variant (Variation ID: 2144281). Advanced modeling of protein sequence and biophysical properties (such as structural, functional, and spatial information, amino acid conservation, physicochemical variation, residue mobility, and thermodynamic stability) has been performed at Invitae for this missense variant, however the output from this modeling did not meet the statistical confidence thresholds required to predict the impact of this variant on NPC1 protein function. In summary, the available evidence is currently insufficient to determine the role of this variant in disease. Therefore, it has been classified as a Variant of Uncertain Significance.

NM_000271.5(NPC1):c.1984T>A (p.Leu662Met)

Gene: NPC1 (NPC intracellular cholesterol transporter 1; minus strand). Cytogenetic location: 18q11.2.
Variant type: single nucleotide variant.
Coding change: c.1984T>A on transcript NM_000271.5 (MANE Select); coding-DNA position 1984, T replaced by A.
Protein change: p.Leu662Met; replaces leucine 662 with methionine.
Molecular consequence: missense variant.
Genome position (GRCh38, 1-based): chr18:23,544,490, A>T on the plus strand (T>A on the coding strand, the complement: NPC1 is on the minus strand). VCF-style: chr18-23544490-A-T. GRCh37 (hg19) VCF-style: chr18-21124454-A-T.
Other names: c.1984T>A (NM_000271.4); short protein forms L662M.
Identifiers: ClinVar variation 2144281 (VCV002144281.3), dbSNP rs768534332, ClinGen allele CA8913244.
Genomic context (GRCh38, chr18:23,544,490, plus strand): 5'-AGGGCAACCCAATGTAGCTGAAGACACCCAAGGAGCAAGCCACCGAGCTCAGCACGATCA[A>T]GATGCCCGCGATGCCTAGTGAGACCTTCGAATCCACCTGAGAGAGGCGACAGACACAATC-3'
Protein context (NP_000262.2, residues 652-672): SKVSLGIAGI[Leu662Met]IVLSSVACSL